The following is an entry in ClinVar:

NM_001457.4(FLNB):c.6889-3C>T

Gene: FLNB (filamin B; plus strand). Cytogenetic location: 3p14.3.
Variant type: single nucleotide variant.
Coding change: c.6889-3C>T on transcript NM_001457.4 (MANE Select); 3 bases into the intron before coding-DNA position 6889, C replaced by T.
Molecular consequence: intron variant.
Genome position (GRCh38, 1-based): chr3:58,159,551, C>T. VCF-style: chr3-58159551-C-T. GRCh37 (hg19) VCF-style: chr3-58145278-C-T.
Other names: c.6982-3C>T (NM_001164317.2); c.6856-3C>T (NM_001164318.2); c.6817-3C>T (NM_001164319.2).
Identifiers: ClinVar variation 2093081 (VCV002093081.4), dbSNP rs1262879449, ClinGen allele CA543255822.
Genomic context (GRCh38, chr3:58,159,551, plus strand): 5'-CAGTGTGTGCCACTGAGCAGGAACGCCGAGGGCCATAACCTGTCTGATGTATTAAATTCT[C>T]AGGAATCGGGATTAAAAGTTAACCAGCCAGCATCCTTTGCTATAAGGTTGAATGGCGCAA-3'

ClinVar aggregate classification (germline): Uncertain significance (1 of 4 stars; one submission).

Allele frequency attached by ClinVar (database versions not stated): gnomAD exomes 0.00001; TOPMed 0.00001.
gnomAD v4.1: 5 of 1,614,076 alleles (0.00031%); highest among the groups gnomAD compares: Admixed American, 0.0083%; no homozygotes.

Submission:

Labcorp Genetics (formerly Invitae), Labcorp
Classification: Uncertain significance. Last evaluated: 2023-11-07. Review status: criteria provided, single submitter. Criteria: Invitae Variant Classification Sherloc (09022015). Collection method: clinical testing. Allele origin: germline.
Comment: This sequence change falls in intron 41 of the FLNB gene. It does not directly change the encoded amino acid sequence of the FLNB protein. It affects a nucleotide within the consensus splice site. This variant is present in population databases (no rsID available, gnomAD 0.01%). This variant has not been reported in the literature in individuals affected with FLNB-related conditions. ClinVar contains an entry for this variant (Variation ID: 2093081). Variants that disrupt the consensus splice site are a relatively common cause of aberrant splicing (PMID: 17576681, 9536098). Algorithms developed to predict the effect of sequence changes on RNA splicing suggest that this variant is not likely to affect RNA splicing. In summary, the available evidence is currently insufficient to determine the role of this variant in disease. Therefore, it has been classified as a Variant of Uncertain Significance.

Literature cited by the submitters: PubMed 17576681; PubMed 9536098.